The following is an entry in ClinVar:

NM_005105.5(RBM8A):c.345G>A (p.Gly115=)

Gene: RBM8A (RNA binding motif protein 8A; minus strand). Cytogenetic location: 1q21.1.
Variant type: single nucleotide variant.
Coding change: c.345G>A on transcript NM_005105.5 (MANE Select); coding-DNA position 345, G replaced by A.
Protein change: p.Gly115=; no amino-acid change (glycine 115 retained).
Molecular consequence: synonymous variant.
Genome position (GRCh38, 1-based): chr1:145,926,175, C>T on the plus strand (G>A on the coding strand, the complement: RBM8A is on the minus strand). VCF-style: chr1-145926175-C-T. GRCh37 (hg19) VCF-style: chr1-145508918-G-A.
Identifiers: ClinVar variation 2003844 (VCV002003844.5), dbSNP rs1553755839, ClinGen allele CA420250273.

ClinVar aggregate classification (germline): Likely benign. Review status: criteria provided, multiple submitters, no conflicts (2 of 4 stars). 2 submissions from 2 submitters: Likely benign (2). Last evaluated 2024-10-29.

Conditions:
Radial aplasia-thrombocytopenia syndrome (TAR). Also called: Thrombocytopenia Absent Radius Syndrome; TAR syndrome. Identifiers: Orphanet 3320, MedGen C0175703, MeSH C536940, MONDO:0010121, OMIM 274000.
RBM8A-related disorder. Also called: RBM8A-related condition.

Allele frequency attached by ClinVar (database versions not stated): gnomAD 0.00001.

Submissions (2):

PreventionGenetics, part of Exact Sciences
Classification: Likely benign for RBM8A-related condition. Last evaluated: 2024-10-29. Review status: criteria provided, single submitter. Criteria: ACMG Guidelines, 2015. Collection method: clinical testing. Allele origin: germline.
Comment: This variant is classified as likely benign based on ACMG/AMP sequence variant interpretation guidelines (Richards et al. 2015 PMID: 25741868, with internal and published modifications).

Labcorp Genetics (formerly Invitae), Labcorp
Classification: Likely benign for Radial aplasia-thrombocytopenia syndrome. Last evaluated: 2022-08-22. Review status: criteria provided, single submitter. Criteria: Invitae Variant Classification Sherloc (09022015). Collection method: clinical testing. Allele origin: germline.